The following is an entry in ClinVar:

ClinVar aggregate classification (germline): Uncertain significance (1 of 4 stars; one submission).

Conditions:
Catecholaminergic polymorphic ventricular tachycardia 1. Also called: RYR2-Related Catecholaminergic Polymorphic Ventricular Tachycardia; VENTRICULAR TACHYCARDIA, CATECHOLAMINERGIC POLYMORPHIC, 1, WITH OR WITHOUT ATRIAL DYSFUNCTION AND/OR DILATED CARDIOMYOPATHY; VENTRICULAR TACHYCARDIA, STRESS-INDUCED POLYMORPHIC 1. Identifiers: Orphanet 3286, MedGen C1631597, MONDO:0011484, OMIM 604772.

Submission:

Labcorp Genetics (formerly Invitae), Labcorp
Classification: Uncertain significance for Catecholaminergic polymorphic ventricular tachycardia 1. Last evaluated: 2022-11-18. Review status: criteria provided, single submitter. Criteria: Invitae Variant Classification Sherloc (09022015). Collection method: clinical testing. Allele origin: germline.
Comment: This variant is not present in population databases (gnomAD no frequency). This sequence change replaces tyrosine, which is neutral and polar, with phenylalanine, which is neutral and non-polar, at codon 1302 of the RYR2 protein (p.Tyr1302Phe). This variant has not been reported in the literature in individuals affected with RYR2-related conditions. In summary, the available evidence is currently insufficient to determine the role of this variant in disease. Therefore, it has been classified as a Variant of Uncertain Significance. Advanced modeling of protein sequence and biophysical properties (such as structural, functional, and spatial information, amino acid conservation, physicochemical variation, residue mobility, and thermodynamic stability) performed at Invitae indicates that this missense variant is not expected to disrupt RYR2 protein function. ClinVar contains an entry for this variant (Variation ID: 1377595).

NM_001035.3(RYR2):c.3905A>T (p.Tyr1302Phe)

Genes: RYR2 (ryanodine receptor 2; plus strand), LOC126806067 (BRD4-independent group 4 enhancer GRCh37_chr1:237753258-237754457; plus strand). Cytogenetic location: 1q43.
Variant type: single nucleotide variant.
Coding change: c.3905A>T on transcript NM_001035.3 (MANE Select); coding-DNA position 3905, A replaced by T.
Protein change: p.Tyr1302Phe; replaces tyrosine 1302 with phenylalanine.
Molecular consequence: missense variant.
Genome position (GRCh38, 1-based): chr1:237,590,737, A>T. VCF-style: chr1-237590737-A-T. GRCh37 (hg19) VCF-style: chr1-237754037-A-T.
Other names: short protein forms Y1302F.
Identifiers: ClinVar variation 1377595 (VCV001377595.9), dbSNP rs2148437157, ClinGen allele CA345397332.